The following is an entry in ClinVar:

ClinVar aggregate classification (germline): Uncertain significance (1 of 4 stars; one submission).

Conditions:
Cardiovascular phenotype. Identifiers: MedGen CN230736.

gnomAD v4.1: 1 of 1,614,224 alleles (0.000062%); highest among the groups gnomAD compares: Non-Finnish European, 0.000085%; no homozygotes.

Submission:

Ambry Genetics
Classification: Uncertain significance for Cardiovascular phenotype. Last evaluated: 2024-11-27. Review status: criteria provided, single submitter. Criteria: Ambry Variant Classification Scheme 2023. Collection method: clinical testing. Allele origin: germline.
Comment: The p.P499T variant (also known as c.1495C>A), located in coding exon 11 of the KCNQ1 gene, results from a C to A substitution at nucleotide position 1495. The proline at codon 499 is replaced by threonine, an amino acid with highly similar properties. This amino acid position is highly conserved in available vertebrate species. In addition, this alteration is predicted to be deleterious by in silico analysis. Based on the available evidence, the clinical significance of this variant remains unclear.

NM_000218.3(KCNQ1):c.1495C>A (p.Pro499Thr)

Genes: KCNQ1 (potassium voltage-gated channel subfamily Q member 1; plus strand), KCNQ1OT1 (KCNQ1 opposite strand/antisense transcript 1; minus strand). Cytogenetic location: 11p15.5.
Variant type: single nucleotide variant.
Coding change: c.1495C>A on transcript NM_000218.3 (MANE Select); coding-DNA position 1495, C replaced by A.
Protein change: p.Pro499Thr; replaces proline 499 with threonine.
Molecular consequence: missense variant. On other transcripts: non-coding transcript variant (1).
Genome position (GRCh38, 1-based): chr11:2,662,062, C>A. VCF-style: chr11-2662062-C-A. GRCh37 (hg19) VCF-style: chr11-2683292-C-A.
Other names: c.1399C>A, p.Pro467Thr (NM_001406836.1); c.1225C>A, p.Pro409Thr (NM_001406837.1); c.955C>A, p.Pro319Thr (NM_001406838.1); c.1114C>A, p.Pro372Thr (NM_181798.2); short protein forms P319T, P409T, P499T, P467T, P372T.
Identifiers: ClinVar variation 3532642 (VCV003532642.1).